The following is an entry in ClinVar:

NM_144736.5(NDUFAF7):c.368T>C (p.Leu123Pro)

Gene: NDUFAF7 (NADH:ubiquinone oxidoreductase complex assembly factor 7; plus strand). Cytogenetic location: 2p22.2.
Variant type: single nucleotide variant.
Coding change: c.368T>C on transcript NM_144736.5 (MANE Select); coding-DNA position 368, T replaced by C.
Protein change: p.Leu123Pro; replaces leucine 123 with proline.
Molecular consequence: missense variant. On other transcripts: non-coding transcript variant (10).
Genome position (GRCh38, 1-based): chr2:37,237,827, T>C. VCF-style: chr2-37237827-T-C. GRCh37 (hg19) VCF-style: chr2-37464970-T-C.
Other names: c.287T>C, p.Leu96Pro (NM_001083946.2, NM_001350025.2); c.368T>C, p.Leu123Pro (NM_001350024.2, NM_001350027.2); short protein forms L96P, L123P.
Identifiers: ClinVar variation 2697821 (VCV002697821.3), dbSNP rs2465744785, ClinGen allele CA346305713.
Genomic context (GRCh38, chr2:37,237,827, plus strand): 5'-TATGGTTCATTAGTGAATGGATGGCCACTGGAAAAAGCACAGCTTTCCAGCTGGTGGAAC[T>C]GGGCCCAGGTAGGGGAACCCTCGTGGGAGATATTTTGAGGGTAGGTAATAAAAGAATGTC-3'
Protein context (NP_653337.1, residues 113-133): GKSTAFQLVE[Leu123Pro]GPGRGTLVGD

ClinVar aggregate classification (germline): Uncertain significance (1 of 4 stars; one submission).

Submission:

Labcorp Genetics (formerly Invitae), Labcorp
Classification: Uncertain significance. Last evaluated: 2024-02-21. Review status: criteria provided, single submitter. Criteria: Invitae Variant Classification Sherloc (09022015). Collection method: clinical testing. Allele origin: germline.
Comment: This sequence change replaces leucine, which is neutral and non-polar, with proline, which is neutral and non-polar, at codon 96 of the NDUFAF7 protein (p.Leu96Pro). This variant is not present in population databases (gnomAD no frequency). This variant has not been reported in the literature in individuals affected with NDUFAF7-related conditions. An algorithm developed to predict the effect of missense changes on protein structure and function (PolyPhen-2) suggests that this variant is likely to be disruptive. In summary, the available evidence is currently insufficient to determine the role of this variant in disease. Therefore, it has been classified as a Variant of Uncertain Significance.